The following is an entry in ClinVar:

NC_000007.13:g.(?_117304722)_(117307162_?)dup

Gene: CFTR (CF transmembrane conductance regulator; plus strand). Cytogenetic location: 7q31.2.
Variant type: Duplication.
Identifiers: ClinVar variation 2423160 (VCV002423160.3).

ClinVar aggregate classification (germline): Uncertain significance (1 of 4 stars; one submission).

Conditions:
Cystic fibrosis (CF). Also called: MUCOVISCIDOSIS. Identifiers: Orphanet 586, MedGen C0010674, MONDO:0009061, OMIM 219700. Disease mechanism: loss of function.

Submission:

Labcorp Genetics (formerly Invitae), Labcorp
Classification: Uncertain significance for Cystic fibrosis. Last evaluated: 2022-05-16. Review status: criteria provided, single submitter. Criteria: Invitae Variant Classification Sherloc (09022015). Collection method: clinical testing. Allele origin: germline.
Comment: This variant results in a copy number gain of the genomic region encompassing exon(s) 25-27 of the CFTR gene. This region includes the termination codon of the gene. This copy number gain extends beyond the assayed region for this gene and therefore may encompass additional genes. As the precise location of this event is unknown, it may be in tandem or it may be located elsewhere in the genome. This variant has not been reported in the literature in individuals affected with CFTR-related conditions. Experimental studies and prediction algorithms are not available or were not evaluated, and the functional significance of this variant is currently unknown. In summary, the available evidence is currently insufficient to determine the role of this variant in disease. Therefore, it has been classified as a Variant of Uncertain Significance.